The following is an entry in ClinVar:

NM_000179.3(MSH6):c.2755G>T (p.Glu919Ter)

Gene: MSH6 (mutS homolog 6; plus strand). Cytogenetic location: 2p16.3.
Variant type: single nucleotide variant.
Coding change: c.2755G>T on transcript NM_000179.3 (MANE Select); coding-DNA position 2755, G replaced by T.
Protein change: p.Glu919Ter; replaces glutamic acid 919 with a stop codon.
Molecular consequence: nonsense. On other transcripts: non-coding transcript variant (5), intron variant (2).
Genome position (GRCh38, 1-based): chr2:47,800,738, G>T. VCF-style: chr2-47800738-G-T. GRCh37 (hg19) VCF-style: chr2-48027877-G-T.
Other names: c.2365G>T, p.Glu789Ter (NM_001281492.2); c.1849G>T, p.Glu617Ter (NM_001281493.2, NM_001281494.2, NM_001406811.1 and 6 more transcripts); c.2851G>T, p.Glu951Ter (NM_001406795.1, NM_001406802.1); c.2755G>T, p.Glu919Ter (NM_001406796.1, NM_001406798.1, NM_001406800.1 and 2 more transcripts); c.2458G>T, p.Glu820Ter (NM_001406797.1, NM_001406801.1, NM_001406805.1 and 10 more transcripts); c.2230G>T, p.Glu744Ter (NM_001406799.1, NM_001406806.1, NM_001406807.1); c.2677G>T, p.Glu893Ter (NM_001406804.1); c.2761G>T, p.Glu921Ter (NM_001406813.1); and 4 more; short protein forms E617*, E744*, E863*, E893*, E921*, E951*, E820*, E919*.
Identifiers: ClinVar variation 3875080 (VCV003875080.1).
Genomic context (GRCh38, chr2:47,800,738, plus strand): 5'-GAAGGTCGTTTTCCTGATTTGACTGTAGAATTGAACCGATGGGATACAGCCTTTGACCAT[G>T]AAAAGGCTCGAAAGACTGGACTTATTACTCCCAAAGCAGGCTTTGACTCTGATTATGACC-3'

ClinVar aggregate classification (germline): Pathogenic (1 of 4 stars; one submission).

Conditions:
Hereditary cancer-predisposing syndrome. Also called: Tumor predisposition; Neoplastic Syndromes, Hereditary; Hereditary Cancer Syndrome; Hereditary neoplastic syndrome. Identifiers: Orphanet 140162, MedGen C0027672, MeSH D009386, MONDO:0015356.

Submission:

Ambry Genetics
Classification: Pathogenic for Hereditary cancer-predisposing syndrome. Last evaluated: 2025-02-05. Review status: criteria provided, single submitter. Criteria: Ambry Variant Classification Scheme 2023. Collection method: clinical testing. Allele origin: germline.
Comment: The p.E919* pathogenic mutation (also known as c.2755G>T), located in coding exon 4 of the MSH6 gene, results from a G to T substitution at nucleotide position 2755. This changes the amino acid from a glutamic acid to a stop codon within coding exon 4. This variant is considered to be rare based on population cohorts in the Genome Aggregation Database (gnomAD). This alteration is expected to result in loss of function by premature protein truncation or nonsense-mediated mRNA decay. As such, this alteration is interpreted as a disease-causing mutation.